The following is an entry in ClinVar:

ClinVar aggregate classification (germline): Uncertain significance (1 of 4 stars; one submission).

Conditions:
Familial thoracic aortic aneurysm and aortic dissection (TAAD). Also called: Thoracic aortic aneurysms and dissections. Identifiers: Orphanet 91387, MedGen C4707243, MONDO:0019625.

Submission:

Color Diagnostics, LLC DBA Color Health
Classification: Uncertain significance for Familial thoracic aortic aneurysm and aortic dissection. Last evaluated: 2023-12-05. Review status: criteria provided, single submitter. Criteria: ACMG Guidelines, 2015. Collection method: clinical testing. Allele origin: germline.
Comment: This missense variant replaces proline with threonine at codon 746 of the COL3A1 protein. Computational prediction tools and conservation analyses are inconclusive regarding the impact of this variant on the protein function. Computational splicing tools suggest that this variant may not impact RNA splicing. To our knowledge, functional assays have not been performed for this variant nor has this variant been reported in individuals affected with cardiovascular disorders in the literature. This variant has not been identified in the general population by the Genome Aggregation Database (gnomAD). Available evidence is insufficient to determine the role of this variant in disease conclusively. Therefore, this variant is classified as a Variant of Uncertain Significance.

NM_000090.4(COL3A1):c.2236C>A (p.Pro746Thr)

Gene: COL3A1 (collagen type III alpha 1 chain; plus strand). Cytogenetic location: 2q32.2.
Variant type: single nucleotide variant.
Coding change: c.2236C>A on transcript NM_000090.4 (MANE Select); coding-DNA position 2236, C replaced by A.
Protein change: p.Pro746Thr; replaces proline 746 with threonine.
Molecular consequence: missense variant.
Genome position (GRCh38, 1-based): chr2:188,999,848, C>A. VCF-style: chr2-188999848-C-A. GRCh37 (hg19) VCF-style: chr2-189864574-C-A.
Other names: short protein forms P746T.
Identifiers: ClinVar variation 921055 (VCV000921055.5), dbSNP rs1688417443, ClinGen allele CA349841120.